The following is an entry in ClinVar:

NM_000138.5(FBN1):c.4591del (p.Ser1531fs)

Gene: FBN1 (fibrillin 1; minus strand). Cytogenetic location: 15q21.1.
Variant type: Deletion.
Coding change: c.4591del on transcript NM_000138.5 (MANE Select); coding-DNA position 4591, one base deleted (T; older notation c.4591delT).
Protein change: p.Ser1531fs; shifts the reading frame from serine 1531.
Molecular consequence: frameshift variant.
Genome position (GRCh38, 1-based): chr15:48,468,094, A deleted on the plus strand (T on the coding strand, the reverse complement: FBN1 is on the minus strand). VCF-style (leftmost placement, unchanged base first): chr15-48468093-GA-G. GRCh37 (hg19) VCF-style: chr15-48760290-GA-G.
Other names: short protein forms S1531fs.
Identifiers: ClinVar variation 1381292 (VCV001381292.6), dbSNP rs2141272501, ClinGen allele CA2573150809.

ClinVar aggregate classification (germline): Pathogenic (1 of 4 stars; one submission).

Conditions:
Marfan syndrome (MFS). Also called: Marfan syndrome type 1; Marfan's syndrome; FBN1-Related Marfan Syndrome; MARFAN SYNDROME, TYPE I; Marfan syndrome, classic. Identifiers: Orphanet 284963, Orphanet 558, MedGen C0024796, MONDO:0007947, OMIM 154700.
Familial thoracic aortic aneurysm and aortic dissection (TAAD). Also called: Thoracic aortic aneurysms and dissections. Identifiers: Orphanet 91387, MedGen C4707243, MONDO:0019625.

Submission:

Labcorp Genetics (formerly Invitae), Labcorp
Classification: Pathogenic for Marfan syndrome; Familial thoracic aortic aneurysm and aortic dissection. Last evaluated: 2021-05-20. Review status: criteria provided, single submitter. Criteria: Invitae Variant Classification Sherloc (09022015). Collection method: clinical testing. Allele origin: germline.
Comment: For these reasons, this variant has been classified as Pathogenic. This sequence change creates a premature translational stop signal (p.Ser1531Leufs*50) in the FBN1 gene. It is expected to result in an absent or disrupted protein product. Loss-of-function variants in FBN1 are known to be pathogenic (PMID: 17657824, 19293843). This variant is not present in population databases (ExAC no frequency). This variant has not been reported in the literature in individuals with FBN1-related conditions.

Literature cited by the submitters: PubMed 17657824; PubMed 19293843.